The following is an entry in ClinVar:

NM_001303256.3(MORC2):c.1976G>A (p.Arg659Gln)

Gene: MORC2 (MORC family CW-type zinc finger 2; minus strand). Cytogenetic location: 22q12.2.
Variant type: single nucleotide variant.
Coding change: c.1976G>A on transcript NM_001303256.3 (MANE Select); coding-DNA position 1976, G replaced by A.
Protein change: p.Arg659Gln; replaces arginine 659 with glutamine.
Molecular consequence: missense variant.
Genome position (GRCh38, 1-based): chr22:30,934,998, C>T on the plus strand (G>A on the coding strand, the complement: MORC2 is on the minus strand). VCF-style: chr22-30934998-C-T. GRCh37 (hg19) VCF-style: chr22-31330985-C-T.
Other names: c.1976G>A, p.Arg659Gln (NM_001303257.2); c.1790G>A, p.Arg597Gln (NM_014941.3); short protein forms R659Q, R597Q.
Identifiers: ClinVar variation 957023 (VCV000957023.13), dbSNP rs769791429, ClinGen allele CA10186793.
Genomic context (GRCh38, chr22:30,934,998, plus strand): 5'-TTGGCAGGCTTTCGGGGTGCCTCAGGTGGCTGGAGCAGCCTAGATGTGCTGGCCTCCTCC[C>T]GGGCTGCCAAAGCAGGGAGCTTTGGGGTACTGCTGATGACAGGAGCCTTTCGGGGCTGGC-3'
Protein context (NP_001290185.1, residues 649-669): STPKLPALAA[Arg659Gln]EEASTSRLLQ

ClinVar aggregate classification (germline): Uncertain significance. Review status: criteria provided, multiple submitters, no conflicts (2 of 4 stars). 3 submissions from 3 submitters: Uncertain significance (3). Last evaluated 2023-06-12.

Conditions:
Charcot-Marie-Tooth disease axonal type 2Z. Also called: CHARCOT-MARIE-TOOTH DISEASE, AXONAL, AUTOSOMAL DOMINANT, TYPE 2Z; CHARCOT-MARIE-TOOTH NEUROPATHY, TYPE 2Z. Identifiers: Orphanet 466768, MedGen C5569025, MONDO:0014736, OMIM 616688.
Inborn genetic diseases. Identifiers: MedGen C0950123, MeSH D030342.

Allele frequency attached by ClinVar (database versions not stated): gnomAD below 0.00001 and 0.00001; gnomAD exomes 0.00001; ExAC 0.00002.
gnomAD v4.1: 15 of 1,613,922 alleles (0.00093%); highest among the groups gnomAD compares: Middle Eastern, 0.016%; no homozygotes.

Submissions (3):

Ambry Genetics
Classification: Uncertain significance for Inborn genetic diseases. Last evaluated: 2023-06-12. Review status: criteria provided, single submitter. Criteria: Ambry Variant Classification Scheme 2023. Collection method: clinical testing. Allele origin: germline.

Labcorp Genetics (formerly Invitae), Labcorp
Classification: Uncertain significance for Charcot-Marie-Tooth disease axonal type 2Z. Last evaluated: 2021-12-21. Review status: criteria provided, single submitter. Criteria: Invitae Variant Classification Sherloc (09022015). Collection method: clinical testing. Allele origin: germline.
Comment: Advanced modeling of protein sequence and biophysical properties (such as structural, functional, and spatial information, amino acid conservation, physicochemical variation, residue mobility, and thermodynamic stability) performed at Invitae indicates that this missense variant is not expected to disrupt MORC2 protein function. In summary, the available evidence is currently insufficient to determine the role of this variant in disease. Therefore, it has been classified as a Variant of Uncertain Significance. ClinVar contains an entry for this variant (Variation ID: 957023). This sequence change replaces arginine, which is basic and polar, with glutamine, which is neutral and polar, at codon 659 of the MORC2 protein (p.Arg659Gln). This variant is present in population databases (rs769791429, gnomAD 0.006%). This variant has not been reported in the literature in individuals affected with MORC2-related conditions.

Blueprint Genetics
Classification: Uncertain significance. Last evaluated: 2021-07-15. Review status: criteria provided, single submitter. Criteria: ACMG Guidelines, 2015. Collection method: clinical testing. Allele origin: germline.